The following is an entry in ClinVar:

NM_001142864.4(PIEZO1):c.2227_2241del (p.Glu743_Gln747del)

Genes: HSALR1 (HSP90AB1 associated lncRNA 1; plus strand), PIEZO1 (piezo type mechanosensitive ion channel component 1 (Er blood group); minus strand). Cytogenetic location: 16q24.3.
Variant type: Deletion.
Coding change: c.2227_2241del on transcript NM_001142864.4 (MANE Select); coding-DNA positions 2227 to 2241, 15 bases deleted (GAGCATCAGCAGCAG).
Protein change: p.Glu743_Gln747del.
Molecular consequence: inframe indel (on NM_014745.1).
Genome position (GRCh38, 1-based): chr16:88,733,994-88,734,008, CTGCTGCTGATGCTC deleted on the plus strand (GAGCATCAGCAGCAG on the coding strand, the reverse complement: PIEZO1 is on the minus strand); deleting any 15 consecutive bases within chr16:88,733,994-88,734,016 gives the same sequence; the c. name uses the placement nearest the transcript's 3' end. VCF-style (leftmost placement, unchanged base first): chr16-88733993-GCTGCTGCTGATGCTC-G. GRCh37 (hg19) VCF-style: chr16-88800401-GCTGCTGCTGATGCTC-G.
Other names: p.Glu743_Gln747del; c.764_778delAGCAGCAGGAGCATC, p.Glu258_Gln262del (NM_014745.1).
Identifiers: ClinVar variation 2683400 (VCV002683400.1), dbSNP rs753432087, ClinGen allele CA286423382.

ClinVar aggregate classification (germline): Uncertain significance (1 of 4 stars; one submission).

Submission:

Mayo Clinic Laboratories, Mayo Clinic
Classification: Uncertain significance. Last evaluated: 2023-05-04. Review status: criteria provided, single submitter. Criteria: ACMG Guidelines, 2015. Collection method: clinical testing. Allele origin: germline. Observed: 1 variant allele.
Comment: BP3, PM2